The following is an entry in ClinVar:

NM_001999.4(FBN2):c.5632T>C (p.Cys1878Arg)

Gene: FBN2 (fibrillin 2; minus strand). Cytogenetic location: 5q23.3.
Variant type: single nucleotide variant.
Coding change: c.5632T>C on transcript NM_001999.4 (MANE Select); coding-DNA position 5632, T replaced by C.
Protein change: p.Cys1878Arg; replaces cysteine 1878 with arginine.
Molecular consequence: missense variant.
Genome position (GRCh38, 1-based): chr5:128,305,553, A>G on the plus strand (T>C on the coding strand, the complement: FBN2 is on the minus strand). VCF-style: chr5-128305553-A-G. GRCh37 (hg19) VCF-style: chr5-127641245-A-G.
Other names: short protein forms C1878R.
Identifiers: ClinVar variation 1472177 (VCV001472177.6), dbSNP rs1248957106, ClinGen allele CA360740345.

ClinVar aggregate classification (germline): Uncertain significance (1 of 4 stars; one submission).

Conditions:
Congenital contractural arachnodactyly (CCA). Also called: Arthrogryposis, distal, type 9; BEALS SYNDROME; Beals-Hecht syndrome. Identifiers: Orphanet 115, MedGen C0220668, MONDO:0007363, OMIM 121050.

Allele frequency attached by ClinVar (database versions not stated): TOPMed below 0.00001.

Submission:

Labcorp Genetics (formerly Invitae), Labcorp
Classification: Uncertain significance for Congenital contractural arachnodactyly. Last evaluated: 2021-08-04. Review status: criteria provided, single submitter. Criteria: Invitae Variant Classification Sherloc (09022015). Collection method: clinical testing. Allele origin: germline.
Comment: Advanced modeling of protein sequence and biophysical properties (such as structural, functional, and spatial information, amino acid conservation, physicochemical variation, residue mobility, and thermodynamic stability) performed at Invitae indicates that this missense variant is expected to disrupt FBN2 protein function. In summary, the available evidence is currently insufficient to determine the role of this variant in disease. Therefore, it has been classified as a Variant of Uncertain Significance. This variant has not been reported in the literature in individuals affected with FBN2-related conditions. This variant is not present in population databases (ExAC no frequency). This sequence change replaces cysteine with arginine at codon 1878 of the FBN2 protein (p.Cys1878Arg). The cysteine residue is highly conserved and there is a large physicochemical difference between cysteine and arginine.